The following is an entry in ClinVar:

NM_138713.4(NFAT5):c.1928C>T (p.Thr643Ile)

Gene: NFAT5 (nuclear factor of activated T cells 5; plus strand). Cytogenetic location: 16q22.1.
Variant type: single nucleotide variant.
Coding change: c.1928C>T on transcript NM_138713.4 (MANE Select); coding-DNA position 1928, C replaced by T.
Protein change: p.Thr643Ile; replaces threonine 643 with isoleucine.
Molecular consequence: missense variant.
Genome position (GRCh38, 1-based): chr16:69,691,753, C>T. VCF-style: chr16-69691753-C-T. GRCh37 (hg19) VCF-style: chr16-69725656-C-T.
Other names: c.1925C>T, p.Thr642Ile (NM_001113178.3); c.1253C>T, p.Thr418Ile (NM_001367709.1); c.1874C>T, p.Thr625Ile (NM_006599.4); c.1646C>T, p.Thr549Ile (NM_138714.4, NM_173214.3, NM_173215.3); short protein forms T625I, T642I, T549I, T418I, T643I.
Identifiers: ClinVar variation 1393284 (VCV001393284.8), dbSNP rs559423977, ClinGen allele CA8135695.

ClinVar aggregate classification (germline): Uncertain significance (1 of 4 stars; one submission).

Conditions:
Immunodeficiency. Identifiers: MedGen C0021051, MONDO:0021094, HP:0002721.

Allele frequency attached by ClinVar (database versions not stated): gnomAD exomes 0.00001 and 0.00002; ExAC 0.00003; gnomAD 0.00006; TOPMed 0.00007; 1000 Genomes Project 30x 0.00016; 1000 Genomes Project 0.00020.
gnomAD v4.1: 18 of 1,602,984 alleles (0.0011%); highest among the groups gnomAD compares: African/African-American, 0.022%; no homozygotes.

Submission:

Labcorp Genetics (formerly Invitae), Labcorp
Classification: Uncertain significance for Immunodeficiency. Last evaluated: 2023-11-27. Review status: criteria provided, single submitter. Criteria: Invitae Variant Classification Sherloc (09022015). Collection method: clinical testing. Allele origin: germline.
Comment: This sequence change replaces threonine, which is neutral and polar, with isoleucine, which is neutral and non-polar, at codon 549 of the NFAT5 protein (p.Thr549Ile). This variant is present in population databases (rs559423977, gnomAD 0.03%). This variant has not been reported in the literature in individuals affected with NFAT5-related conditions. ClinVar contains an entry for this variant (Variation ID: 1393284). An algorithm developed to predict the effect of missense changes on protein structure and function (PolyPhen-2) suggests that this variant is likely to be tolerated. In summary, the available evidence is currently insufficient to determine the role of this variant in disease. Therefore, it has been classified as a Variant of Uncertain Significance.